The following is an entry in ClinVar:

ClinVar aggregate classification (germline): Uncertain significance (1 of 4 stars; one submission).

Conditions:
Blepharophimosis - intellectual disability syndrome, SBBYS type (SBBYSS). Also called: Say-Barber-Biesecker variant of Ohdo syndrome (SBBYSS); Say-Barber-Biesecker-Young-Simpson variant of Ohdo Syndrome; Say-Barber-Biesecker Variant of Ohdo Syndrome; Ohdo syndrome, SBBYS variant; SBBYSS syndrome; Say-Barber-Biesecker-Young-Simpson syndrome. Identifiers: Orphanet 3047, MedGen C1863557, MONDO:0011365, OMIM 603736.

Submission:

Centre for Mendelian Genomics, University Medical Centre Ljubljana
Classification: Uncertain significance for Blepharophimosis - intellectual disability syndrome, SBBYS type. Last evaluated: 2019-12-04. Review status: criteria provided, single submitter. Criteria: ACMG Guidelines, 2015. Collection method: clinical testing. Allele origin: unknown. Affected: yes.
Comment: This variant was classified as: Uncertain significance. The available evidence on this variant's pathogenicity is insufficient or conflicting. The following ACMG criteria were applied in classifying this variant: PM2,PP3,BP1.

NM_012330.4(KAT6B):c.390G>T (p.Glu130Asp)

Gene: KAT6B (lysine acetyltransferase 6B; plus strand). Cytogenetic location: 10q22.2.
Variant type: single nucleotide variant.
Coding change: c.390G>T on transcript NM_012330.4 (MANE Select); coding-DNA position 390, G replaced by T.
Protein change: p.Glu130Asp; replaces glutamic acid 130 with aspartic acid.
Molecular consequence: missense variant. On other transcripts: 5 prime UTR variant (2).
Genome position (GRCh38, 1-based): chr10:74,843,247, G>T. VCF-style: chr10-74843247-G-T. GRCh37 (hg19) VCF-style: chr10-76603005-G-T.
Other names: c.390G>T, p.Glu130Asp (NM_001256468.2, NM_001256469.2, NM_001370132.1 and 10 more transcripts); c.-149G>T (NM_001370134.1, NM_001370135.1); short protein forms E130D.
Identifiers: ClinVar variation 931621 (VCV000931621.3), dbSNP rs771449717, ClinGen allele CA377399931.